The following is an entry in ClinVar:

ClinVar aggregate classification (germline): Conflicting classifications of pathogenicity. Review status: criteria provided, conflicting classifications (1 of 4 stars). 4 submissions from 4 submitters: Uncertain significance (1); Likely benign (3). Last evaluated 2026-01-26.

Conditions:
Nemaline myopathy 2 (NEM2). Also called: Nemaline myopathy 2, autosomal recessive. Identifiers: MedGen C1850569, MONDO:0009725, OMIM 256030.
NEB-related disorder. Also called: NEB-related condition; NEB-Related Disorders.
Inborn genetic diseases. Identifiers: MedGen C0950123, MeSH D030342.

Allele frequency attached by ClinVar (database versions not stated): ExAC 0.00022; gnomAD 0.00069 and 0.00075; ESP Exome Variant Server 0.00074; TOPMed 0.00077; gnomAD exomes 0.00006 and 0.00013; 1000 Genomes Project 30x 0.00016; 1000 Genomes Project 0.00020.
gnomAD v4.1: 195 of 1,589,496 alleles (0.012%); highest among the groups gnomAD compares: African/African-American, 0.24%; no homozygotes.

Submissions (4):

Labcorp Genetics (formerly Invitae), Labcorp
Classification: Likely benign for Nemaline myopathy 2. Last evaluated: 2026-01-26. Review status: criteria provided, single submitter. Criteria: Invitae Variant Classification Sherloc (09022015). Collection method: clinical testing. Allele origin: germline.

Ambry Genetics
Classification: Uncertain significance for Inborn genetic diseases. Last evaluated: 2025-09-25. Review status: criteria provided, single submitter. Criteria: Ambry Variant Classification Scheme 2023. Collection method: clinical testing. Allele origin: germline.

PreventionGenetics, part of Exact Sciences
Classification: Likely benign for NEB-related condition. Last evaluated: 2025-08-21. Review status: criteria provided, single submitter. Criteria: ACMG Guidelines, 2015. Collection method: clinical testing. Allele origin: germline.
Comment: This variant is classified as likely benign based on ACMG/AMP sequence variant interpretation guidelines (Richards et al. 2015 PMID: 25741868, with internal and published modifications).

GeneDx
Classification: Likely benign. Last evaluated: 2017-07-27. Review status: criteria provided, single submitter. Criteria: GeneDx Variant Classification (06012015). Collection method: clinical testing. Allele origin: germline. Affected: yes.
Comment: This variant is considered likely benign or benign based on one or more of the following criteria: it is a conservative change, it occurs at a poorly conserved position in the protein, it is predicted to be benign by multiple in silico algorithms, and/or has population frequency not consistent with disease.

NM_001164508.2(NEB):c.25289T>C (p.Val8430Ala)

Genes: NEB (nebulin; minus strand), RIF1 (replication timing regulatory factor 1; plus strand). Cytogenetic location: 2q23.3.
Variant type: single nucleotide variant.
Coding change: c.25289T>C on transcript NM_001164508.2 (MANE Select); coding-DNA position 25289, T replaced by C.
Protein change: p.Val8430Ala; replaces valine 8430 with alanine.
Molecular consequence: missense variant.
Genome position (GRCh38, 1-based): chr2:151,490,380, A>G on the plus strand (T>C on the coding strand, the complement: NEB is on the minus strand). VCF-style: chr2-151490380-A-G. GRCh37 (hg19) VCF-style: chr2-152346894-A-G.
Other names: c.25289T>C, p.Val8430Ala (NM_001164507.2); c.25394T>C, p.Val8465Ala (NM_001271208.2); c.19721T>C, p.Val6574Ala (NM_004543.5); c.19721T>C (NM_004543.4); short protein forms V8465A, V8430A, V6574A.
Identifiers: ClinVar variation 511062 (VCV000511062.15), dbSNP rs151338614, ClinGen allele CA1905762.